The following is an entry in ClinVar:

NM_002470.4(MYH3):c.1567G>A (p.Glu523Lys)

Gene: MYH3 (myosin heavy chain 3; minus strand). Cytogenetic location: 17p13.1.
Variant type: single nucleotide variant.
Coding change: c.1567G>A on transcript NM_002470.4 (MANE Select); coding-DNA position 1567, G replaced by A.
Protein change: p.Glu523Lys; replaces glutamic acid 523 with lysine.
Molecular consequence: missense variant.
Genome position (GRCh38, 1-based): chr17:10,642,840, C>T on the plus strand (G>A on the coding strand, the complement: MYH3 is on the minus strand). VCF-style: chr17-10642840-C-T. GRCh37 (hg19) VCF-style: chr17-10546157-C-T.
Other names: short protein forms E523K.
Identifiers: ClinVar variation 2048250 (VCV002048250.4), dbSNP rs760785498, ClinGen allele CA8392985.

ClinVar aggregate classification (germline): Uncertain significance (1 of 4 stars; one submission).

Allele frequency attached by ClinVar (database versions not stated): ExAC 0.00001; gnomAD exomes 0.00001.
gnomAD v4.1: 5 of 1,614,070 alleles (0.00031%); highest among the groups gnomAD compares: Non-Finnish European, 0.00042%; no homozygotes.

Submission:

Labcorp Genetics (formerly Invitae), Labcorp
Classification: Uncertain significance. Last evaluated: 2023-10-23. Review status: criteria provided, single submitter. Criteria: Invitae Variant Classification Sherloc (09022015). Collection method: clinical testing. Allele origin: germline.
Comment: This sequence change replaces glutamic acid, which is acidic and polar, with lysine, which is basic and polar, at codon 523 of the MYH3 protein (p.Glu523Lys). This variant is present in population databases (rs760785498, gnomAD 0.0009%). This variant has not been reported in the literature in individuals affected with MYH3-related conditions. ClinVar contains an entry for this variant (Variation ID: 2048250). Advanced modeling of protein sequence and biophysical properties (such as structural, functional, and spatial information, amino acid conservation, physicochemical variation, residue mobility, and thermodynamic stability) performed at Invitae indicates that this missense variant is not expected to disrupt MYH3 protein function with a negative predictive value of 95%. In summary, the available evidence is currently insufficient to determine the role of this variant in disease. Therefore, it has been classified as a Variant of Uncertain Significance.